The following is an entry in ClinVar:

ClinVar aggregate classification (germline): Uncertain significance (1 of 4 stars; one submission).

Submission:

Labcorp Genetics (formerly Invitae), Labcorp
Classification: Uncertain significance. Last evaluated: 2020-02-15. Review status: criteria provided, single submitter. Criteria: Invitae Variant Classification Sherloc (09022015). Collection method: clinical testing. Allele origin: germline.
Comment: In summary, the available evidence is currently insufficient to determine the role of this variant in disease. Therefore, it has been classified as a Variant of Uncertain Significance. Algorithms developed to predict the effect of missense changes on protein structure and function are either unavailable or do not agree on the potential impact of this missense change (SIFT: "Tolerated"; PolyPhen-2: "Possibly Damaging"; Align-GVGD: "Class C0"). This sequence change replaces glutamic acid with lysine at codon 201 of the PRPF3 protein (p.Glu201Lys). The glutamic acid residue is highly conserved and there is a small physicochemical difference between glutamic acid and lysine. This variant is not present in population databases (ExAC no frequency). This variant has not been reported in the literature in individuals with PRPF3-related conditions.

NM_004698.4(PRPF3):c.601G>A (p.Glu201Lys)

Gene: PRPF3 (pre-mRNA processing factor 3; plus strand). Cytogenetic location: 1q21.2.
Variant type: single nucleotide variant.
Coding change: c.601G>A on transcript NM_004698.4 (MANE Select); coding-DNA position 601, G replaced by A.
Protein change: p.Glu201Lys; replaces glutamic acid 201 with lysine.
Molecular consequence: missense variant. On other transcripts: non-coding transcript variant (4).
Genome position (GRCh38, 1-based): chr1:150,333,072, G>A. VCF-style: chr1-150333072-G-A. GRCh37 (hg19) VCF-style: chr1-150305543-G-A.
Other names: c.196G>A, p.Glu66Lys (NM_001350529.1); short protein forms E201K, E66K.
Identifiers: ClinVar variation 1047084 (VCV001047084.8), dbSNP rs782390782, ClinGen allele CA342292301.